The following is an entry in ClinVar:

ClinVar aggregate classification (germline): Benign. Review status: criteria provided, multiple submitters, no conflicts (2 of 4 stars). 3 submissions from 3 submitters: Benign (3). Last evaluated 2018-06-29.

Conditions:
Hereditary motor and sensory neuropathy with optic atrophy. Also called: PERIPHERAL NEUROPATHY AND OPTIC ATROPHY; CHARCOT-MARIE-TOOTH DISEASE, TYPE 6. Identifiers: Orphanet 90120, MedGen C0393807, MONDO:0019551.

Allele frequency attached by ClinVar (database versions not stated): gnomAD 0.53483 and 0.53102; 1000 Genomes Project 30x 0.60384; 1000 Genomes Project 0.61002; TOPMed 0.52600; gnomAD exomes 0.48216.

Submissions (3):

GeneDx
Classification: Benign. Last evaluated: 2018-06-29. Review status: criteria provided, single submitter. Criteria: GeneDx Variant Classification Process June 2021. Collection method: clinical testing. Allele origin: germline. Affected: yes.

Illumina Laboratory Services, Illumina
Classification: Benign for Neuropathy, hereditary motor and sensory, type 6A. Last evaluated: 2018-01-13. Review status: criteria provided, single submitter. Criteria: ICSL Variant Classification Criteria 13 December 2019. Collection method: clinical testing. Allele origin: germline.
Comment: This variant was observed in the ICSL laboratory as part of a predisposition screen in an ostensibly healthy population. It had not been previously curated by ICSL or reported in the Human Gene Mutation Database (HGMD: prior to June 1st, 2018), and was therefore a candidate for classification through an automated scoring system. Utilizing variant allele frequency, disease prevalence and penetrance estimates, and inheritance mode, an automated score was calculated to assess if this variant is too frequent to cause the disease. Based on the score and internal cut-off values, a variant classified as benign is not then subjected to further curation. The score for this variant resulted in a classification of benign for this disease.

Breakthrough Genomics
Classification: Benign. Review status: criteria provided, single submitter. Criteria: ACMG Guidelines, 2015. Collection method: not provided. Allele origin: germline. Inheritance: Autosomal recessive inheritance. Affected: yes.

NM_014874.3(MFN2):c.-212T>C

Gene: MFN2 (mitofusin 2; plus strand). Cytogenetic location: 1p36.22.
Variant type: single nucleotide variant.
Coding change: c.-212T>C on transcript NM_014874.3; 212 bases upstream of the start codon, T replaced by C.
Genome position (GRCh38, 1-based): chr1:11,980,422, T>C. VCF-style: chr1-11980422-T-C. GRCh37 (hg19) VCF-style: chr1-12040479-T-C.
Identifiers: ClinVar variation 292368 (VCV000292368.11), dbSNP rs2180183, ClinGen allele CA10607965.
Genomic context (GRCh38, chr1:11,980,422, plus strand): 5'-GAGGGGCAATCTGAGGCGACTGGTGACGCGCTTATCCACTTCCCTCCTCCCGCCTCCCCC[T>C]GGGGTGGCGCTCGCTGGTGACGTAGTGAGTGTGATGGCCGCCGCGAGGCCGGGAAGGTGA-3'